The following is an entry in ClinVar:

GRCh38/hg38 1q21.2(chr1:150034379-150414215)x1

Genes: ANP32E (acidic nuclear phosphoprotein 32 family member E; minus strand), APH1A (aph-1 homolog A, gamma-secretase subunit; minus strand), C1orf54 (chromosome 1 open reading frame 54; plus strand), CA14 (carbonic anhydrase 14; plus strand), CIART (circadian associated repressor of transcription; plus strand) and 32 more. Cytogenetic location: 1q21.2.
Variant type: copy number loss.
Change: copy number 1 (one copy instead of two) of chr1:150,034,379-150,414,215 (379.8 kb, GRCh38 coordinates, 1-based), cytogenetic band 1q21.2.
Identifiers: ClinVar variation 57468 (VCV000057468.1).

ClinVar aggregate classification (germline): Uncertain significance (1 of 4 stars; one submission).

Submission:

ISCA site 4
Classification: Uncertain significance. Last evaluated: 2011-08-12. Review status: criteria provided, single submitter. Criteria: Kaminsky et al. (Genet Med. 2011). Collection method: clinical testing. Allele origin: maternal. Affected: yes. Observed: 2 variant alleles.
Comment: Copy number variation identified through the course of routine clinical cytogenomic testing in postnatal populations. Clinical assertions have been curated as described in Kaminsky et al. 2011.